The following is an entry in ClinVar:

NM_005188.4(CBL):c.*5718C>A

Gene: CBL (Cbl proto-oncogene; plus strand). Cytogenetic location: 11q23.3.
Variant type: single nucleotide variant.
Coding change: c.*5718C>A on transcript NM_005188.4 (MANE Select); 5718 bases downstream of the stop codon, C replaced by A.
Molecular consequence: 3 prime UTR variant.
Genome position (GRCh38, 1-based): chr11:119,305,499, C>A. VCF-style: chr11-119305499-C-A. GRCh37 (hg19) VCF-style: chr11-119176209-C-A.
Identifiers: ClinVar variation 302869 (VCV000302869.5), dbSNP rs572014227, ClinGen allele CA10630027.

ClinVar aggregate classification (germline): Benign (1 of 4 stars; one submission).

Conditions:
CBL-related disorder. Also called: NOONAN SYNDROME-LIKE DISORDER WITHOUT JUVENILE MYELOMONOCYTIC LEUKEMIA; CBL MUTATION-ASSOCIATED SYNDROME; CBL SYNDROME. Identifiers: Orphanet 363972, MedGen C3150803, MONDO:0013308, OMIM 613563.

Allele frequency attached by ClinVar (database versions not stated): 1000 Genomes Project 0.00060; 1000 Genomes Project 30x 0.00078; gnomAD 0.00123 and 0.00124; TOPMed 0.00131; gnomAD exomes 0.00186.
gnomAD v4.1: 349 of 231,032 alleles (0.15%); highest among the groups gnomAD compares: Middle Eastern, 1.7%; 2 homozygotes.

Submission:

Illumina Laboratory Services, Illumina
Classification: Benign for CBL-related disorder. Last evaluated: 2018-01-12. Review status: criteria provided, single submitter. Criteria: ICSL Variant Classification Criteria 13 December 2019. Collection method: clinical testing. Allele origin: germline.
Comment: This variant was observed in the ICSL laboratory as part of a predisposition screen in an ostensibly healthy population. It had not been previously curated by ICSL or reported in the Human Gene Mutation Database (HGMD: prior to June 1st, 2018), and was therefore a candidate for classification through an automated scoring system. Utilizing variant allele frequency, disease prevalence and penetrance estimates, and inheritance mode, an automated score was calculated to assess if this variant is too frequent to cause the disease. Based on the score and internal cut-off values, a variant classified as benign is not then subjected to further curation. The score for this variant resulted in a classification of benign for this disease.